The following is an entry in ClinVar:

ClinVar aggregate classification (germline): Uncertain significance (1 of 4 stars; one submission).

Conditions:
Early-infantile DEE. Also called: Ohtahara syndrome; Early infantile epileptic encephalopathy with suppression bursts; Early infantile epileptic encephalopathy. Identifiers: Orphanet 1934, MedGen C0393706, MONDO:0800491.

Allele frequency attached by ClinVar (database versions not stated): ExAC 0.00001; gnomAD 0.00001; gnomAD exomes 0.00001 and 0.00002; TOPMed 0.00001.
gnomAD v4.1: 34 of 1,613,300 alleles (0.0021%); highest among the groups gnomAD compares: Non-Finnish European, 0.0027%; no homozygotes.

Submission:

Labcorp Genetics (formerly Invitae), Labcorp
Classification: Uncertain significance for Early-infantile DEE. Last evaluated: 2025-07-18. Review status: criteria provided, single submitter. Criteria: Invitae Variant Classification Sherloc (09022015). Collection method: clinical testing. Allele origin: germline.
Comment: This sequence change replaces glycine, which is neutral and non-polar, with arginine, which is basic and polar, at codon 1964 of the SCN8A protein (p.Gly1964Arg). This variant is present in population databases (rs756678417, gnomAD 0.002%). This variant has not been reported in the literature in individuals affected with SCN8A-related conditions. ClinVar contains an entry for this variant (Variation ID: 1013956). Invitae Evidence Modeling of protein sequence and biophysical properties (such as structural, functional, and spatial information, amino acid conservation, physicochemical variation, residue mobility, and thermodynamic stability) indicates that this missense variant is not expected to disrupt SCN8A protein function with a negative predictive value of 95%. In summary, the available evidence is currently insufficient to determine the role of this variant in disease. Therefore, it has been classified as a Variant of Uncertain Significance.

NM_001330260.2(SCN8A):c.5890G>A (p.Gly1964Arg)

Gene: SCN8A (sodium voltage-gated channel alpha subunit 8; plus strand). Cytogenetic location: 12q13.13.
Variant type: single nucleotide variant.
Coding change: c.5890G>A on transcript NM_001330260.2 (MANE Select); coding-DNA position 5890, G replaced by A.
Protein change: p.Gly1964Arg; replaces glycine 1964 with arginine.
Molecular consequence: missense variant.
Genome position (GRCh38, 1-based): chr12:51,807,376, G>A. VCF-style: chr12-51807376-G-A. GRCh37 (hg19) VCF-style: chr12-52201160-G-A.
Other names: c.5767G>A, p.Gly1923Arg (NM_001177984.3, NM_001369788.1); c.5890G>A, p.Gly1964Arg (NM_014191.4); short protein forms G1923R, G1964R.
Identifiers: ClinVar variation 1013956 (VCV001013956.9), dbSNP rs756678417, ClinGen allele CA6571966.